The following is an entry in ClinVar:

NM_000554.6(CRX):c.*2380C>T

Gene: CRX (cone-rod homeobox; plus strand). Cytogenetic location: 19q13.33.
Variant type: single nucleotide variant.
Coding change: c.*2380C>T on transcript NM_000554.6 (MANE Select); 2380 bases downstream of the stop codon, C replaced by T.
Molecular consequence: 3 prime UTR variant.
Genome position (GRCh38, 1-based): chr19:47,842,347, C>T. VCF-style: chr19-47842347-C-T. GRCh37 (hg19) VCF-style: chr19-48345604-C-T.
Identifiers: ClinVar variation 329761 (VCV000329761.6), dbSNP rs62128810, ClinGen allele CA10652655.

ClinVar aggregate classification (germline): Benign. Review status: criteria provided, multiple submitters, no conflicts (2 of 4 stars). 4 submissions from 2 submitters: Benign (4). Last evaluated 2018-01-12.

Conditions:
Leber congenital amaurosis 7 (LCA7). Identifiers: Orphanet 65, MedGen C3151192, MONDO:0013449, OMIM 613829.
Retinitis pigmentosa (RP). Identifiers: Orphanet 791, MedGen C0035334, MeSH D012174, MONDO:0019200, OMIM 268000. Inheritance: Autosomal dominant, autosomal recessive and X linked inheritance.
Cone-rod dystrophy 2 (CORD2). Also called: CONE-ROD RETINAL DYSTROPHY; Cone-rod retinal dystrophy 2. Identifiers: Orphanet 1872, MedGen C3489532, MONDO:0007362, OMIM 120970.

Allele frequency attached by ClinVar (database versions not stated): TOPMed 0.11095; gnomAD 0.12196 and 0.12202; 1000 Genomes Project 0.06949; 1000 Genomes Project 30x 0.06949.

Submissions (4):

Illumina Laboratory Services, Illumina
Classification: Benign for Leber congenital amaurosis 7. Last evaluated: 2018-01-12. Review status: criteria provided, single submitter. Criteria: ICSL Variant Classification Criteria 13 December 2019. Collection method: clinical testing. Allele origin: germline.
Comment: This variant was observed in the ICSL laboratory as part of a predisposition screen in an ostensibly healthy population. It had not been previously curated by ICSL or reported in the Human Gene Mutation Database (HGMD: prior to June 1st, 2018), and was therefore a candidate for classification through an automated scoring system. Utilizing variant allele frequency, disease prevalence and penetrance estimates, and inheritance mode, an automated score was calculated to assess if this variant is too frequent to cause the disease. Based on the score and internal cut-off values, a variant classified as benign is not then subjected to further curation. The score for this variant resulted in a classification of benign for this disease.

Illumina Laboratory Services, Illumina
Classification: Benign for Retinitis pigmentosa. Last evaluated: 2018-01-12. Review status: criteria provided, single submitter. Criteria: ICSL Variant Classification Criteria 13 December 2019. Collection method: clinical testing. Allele origin: germline.
Comment: the same text as in the submission from Illumina Laboratory Services, Illumina above.

Illumina Laboratory Services, Illumina
Classification: Benign for Cone-rod dystrophy 2. Last evaluated: 2018-01-12. Review status: criteria provided, single submitter. Criteria: ICSL Variant Classification Criteria 13 December 2019. Collection method: clinical testing. Allele origin: germline.
Comment: the same text as in the submission from Illumina Laboratory Services, Illumina above.

Breakthrough Genomics
Classification: Benign. Review status: criteria provided, single submitter. Criteria: ACMG Guidelines, 2015. Collection method: not provided. Allele origin: germline. Inheritance: Autosomal dominant inheritance. Affected: yes.